The following is an entry in ClinVar:

ClinVar aggregate classification (germline): Uncertain significance (1 of 4 stars; one submission).

Conditions:
Cardiovascular phenotype. Identifiers: MedGen CN230736.

Allele frequency attached by ClinVar (database versions not stated): ExAC 0.00001; gnomAD 0.00001; TOPMed 0.00003.
gnomAD v4.1: 4 of 1,614,102 alleles (0.00025%); highest among the groups gnomAD compares: African/African-American, 0.0053%; no homozygotes.

Submission:

Ambry Genetics
Classification: Uncertain significance for Cardiovascular phenotype. Last evaluated: 2019-08-29. Review status: criteria provided, single submitter. Criteria: Ambry Variant Classification Scheme 2023. Collection method: clinical testing. Allele origin: germline.
Comment: The p.Q834R variant (also known as c.2501A>G), located in coding exon 14 of the TTN gene, results from an A to G substitution at nucleotide position 2501. The glutamine at codon 834 is replaced by arginine, an amino acid with highly similar properties. This amino acid position is well conserved in available vertebrate species. In addition, this alteration is predicted to be tolerated by in silico analysis. Since supporting evidence is limited at this time, the clinical significance of this alteration remains unclear.

NM_001267550.2(TTN):c.2639A>G (p.Gln880Arg)

Gene: TTN (titin; minus strand). Cytogenetic location: 2q31.2.
Variant type: single nucleotide variant.
Coding change: c.2639A>G on transcript NM_001267550.2 (MANE Select); coding-DNA position 2639, A replaced by G.
Protein change: p.Gln880Arg; replaces glutamine 880 with arginine.
Molecular consequence: missense variant.
Genome position (GRCh38, 1-based): chr2:178,784,206, T>C on the plus strand (A>G on the coding strand, the complement: TTN is on the minus strand). VCF-style: chr2-178784206-T-C. GRCh37 (hg19) VCF-style: chr2-179648933-T-C.
Other names: c.2639A>G, p.Gln880Arg (NM_001256850.1, NM_133378.4, NM_133379.5); c.2501A>G, p.Gln834Arg (NM_003319.4, NM_133432.3, NM_133437.4); short protein forms Q834R, Q880R.
Identifiers: ClinVar variation 1792256 (VCV001792256.2), dbSNP rs764270902, ClinGen allele CA2005771.